The following is an entry in ClinVar:

NM_001365276.2(TNXB):c.921_1013del (p.Val308_Gly338del)

Gene: TNXB (tenascin XB; minus strand). Cytogenetic location: 6p21.33.
Variant type: Deletion.
Coding change: c.921_1013del on transcript NM_001365276.2 (MANE Select); coding-DNA positions 921 to 1013, 93 bases deleted.
Protein change: p.Val308_Gly338del.
Molecular consequence: inframe deletion.
Genome position (GRCh38, 1-based): chr6:32,096,840-32,096,932, 93 bases deleted. GRCh37 (hg19): chr6:32,064,645-32,064,737.
Other names: c.921_1013del, p.Val308_Gly338del (NM_001428335.1, NM_019105.8).
Identifiers: ClinVar variation 5003947 (VCV005003947.1).

ClinVar aggregate classification (germline): Uncertain significance (1 of 4 stars; one submission).

Conditions:
Ehlers-Danlos syndrome due to tenascin-X deficiency (EDSCLL1). Also called: TNX DEFICIENCY; EDS DUE TO TNX DEFICIENCY; EHLERS-DANLOS SYNDROME, CLASSIC-LIKE; Ehlers-Danlos syndrome, classic-like, 1; TNXB-Related Classical-Like Ehlers-Danlos Syndrome. Identifiers: Orphanet 230839, MedGen C1848029, MONDO:0011670, OMIM 606408.

Submission:

Myriad Genetics, Inc.
Classification: Uncertain significance for Ehlers-Danlos syndrome due to tenascin-X deficiency. Last evaluated: 2026-06-05. Review status: criteria provided, single submitter. Criteria: Myriad Autosomal Dominant, Autosomal Recessive and X-Linked Classification Criteria (2023). Collection method: clinical testing. Allele origin: unknown.
Comment: NM_019105.6(TNXB):c.921_1013del93(V308_G338del) is an in-frame deletion classified as a variant of uncertain significance in the context of classical-like Ehlers-Danlos syndrome, TNXB-related. V308_G338del has not been observed in cases with relevant disease. Relevant functional assessments of this variant are not available in the literature. V308_G338del has not been observed in referenced population frequency databases. In summary, there is insufficient evidence to classify NM_019105.6(TNXB):c.921_1013del93(V308_G338del) as pathogenic or benign. Please note: this variant was assessed in the context of healthy population screening.